The following is an entry in ClinVar:

ClinVar aggregate classification (germline): Uncertain significance. Review status: criteria provided, multiple submitters, no conflicts (2 of 4 stars). 2 submissions from 2 submitters: Uncertain significance (2). Last evaluated 2024-09-09.

Conditions:
Hereditary cancer-predisposing syndrome. Also called: Hereditary Cancer Syndrome; Neoplastic Syndromes, Hereditary; Tumor predisposition; Hereditary neoplastic syndrome. Identifiers: Orphanet 140162, MedGen C0027672, MeSH D009386, MONDO:0015356.
Cardiovascular phenotype. Identifiers: MedGen CN230736.
Neurofibromatosis, type 1 (NF1). Also called: VON RECKLINGHAUSEN DISEASE; Peripheral type neurofibromatosis; Neurofibromatosis, type I; NEUROFIBROMATOSIS, TYPE I, SOMATIC. Identifiers: Orphanet 636, MedGen C0027831, MONDO:0018975, OMIM 162200. Disease mechanism: loss of function.

Submissions (2):

Ambry Genetics
Classification: Uncertain significance for Cardiovascular phenotype; Hereditary cancer-predisposing syndrome. Last evaluated: 2024-09-09. Review status: criteria provided, single submitter. Criteria: Ambry Variant Classification Scheme 2023. Collection method: clinical testing. Allele origin: germline.
Comment: The p.A2386G variant (also known as c.7157C>G), located in coding exon 48 of the NF1 gene, results from a C to G substitution at nucleotide position 7157. The alanine at codon 2386 is replaced by glycine, an amino acid with similar properties. This amino acid position is conserved. In addition, the in silico prediction for this alteration is inconclusive. Based on the available evidence, the clinical significance of this variant remains unclear.

Labcorp Genetics (formerly Invitae), Labcorp
Classification: Uncertain significance for Neurofibromatosis, type 1. Last evaluated: 2024-07-16. Review status: criteria provided, single submitter. Criteria: Invitae Variant Classification Sherloc (09022015). Collection method: clinical testing. Allele origin: germline.
Comment: This sequence change replaces alanine, which is neutral and non-polar, with glycine, which is neutral and non-polar, at codon 2386 of the NF1 protein (p.Ala2386Gly). This variant is not present in population databases (gnomAD no frequency). This variant has not been reported in the literature in individuals affected with NF1-related conditions. ClinVar contains an entry for this variant (Variation ID: 1348208). Advanced modeling of protein sequence and biophysical properties (such as structural, functional, and spatial information, amino acid conservation, physicochemical variation, residue mobility, and thermodynamic stability) has been performed at Invitae for this missense variant, however the output from this modeling did not meet the statistical confidence thresholds required to predict the impact of this variant on NF1 protein function. In summary, the available evidence is currently insufficient to determine the role of this variant in disease. Therefore, it has been classified as a Variant of Uncertain Significance.

NM_001042492.3(NF1):c.7220C>G (p.Ala2407Gly)

Gene: NF1 (neurofibromin 1; plus strand). Cytogenetic location: 17q11.2.
Variant type: single nucleotide variant.
Coding change: c.7220C>G on transcript NM_001042492.3 (MANE Select); coding-DNA position 7220, C replaced by G.
Protein change: p.Ala2407Gly; replaces alanine 2407 with glycine.
Molecular consequence: missense variant.
Genome position (GRCh38, 1-based): chr17:31,349,150, C>G. VCF-style: chr17-31349150-C-G. GRCh37 (hg19) VCF-style: chr17-29676168-C-G.
Other names: c.7157C>G, p.Ala2386Gly (NM_000267.4); short protein forms A2386G, A2407G.
Identifiers: ClinVar variation 1348208 (VCV001348208.7), dbSNP rs2151572575, ClinGen allele CA399016713.
Genomic context (GRCh38, chr17:31,349,150, plus strand): 5'-TTTGTTTGTTTGTTTGTTTGTTTTTTGTAGGGTACAGGCATCCTTCACCTGCTATTGTTG[C>G]AAGAACAGTCAGAATTTTACATACACTACTAACTCTGGTTAACAAACACAGAAATTGTGA-3'
Protein context (NP_001035957.1, residues 2397-2417): GYRHPSPAIV[Ala2407Gly]RTVRILHTLL